The following is an entry in ClinVar:

ClinVar aggregate classification (germline): Likely benign (1 of 4 stars; one submission).

Allele frequency attached by ClinVar (database versions not stated): ExAC 0.00100.
gnomAD v4.1: 268 of 1,550,920 alleles (0.017%); highest among the groups gnomAD compares: South Asian, 0.21%; 5 homozygotes.

Submission:

CeGaT Center for Human Genetics Tuebingen
Classification: Likely benign. Last evaluated: 2023-03-01. Review status: criteria provided, single submitter. Criteria: CeGaT Center For Human Genetics Tuebingen Variant Classification Criteria Version 2. Collection method: clinical testing. Allele origin: germline. Affected: yes. Observed: 1 variant allele.
Comment: ANKRD30B: BS2

NM_001367607.2(ANKRD30B):c.1918T>C (p.Phe640Leu)

Gene: ANKRD30B (ankyrin repeat domain 30B; plus strand). Cytogenetic location: 18p11.21.
Variant type: single nucleotide variant.
Coding change: c.1918T>C on transcript NM_001367607.2 (MANE Select); coding-DNA position 1918, T replaced by C.
Protein change: p.Phe640Leu; replaces phenylalanine 640 with leucine.
Molecular consequence: missense variant. On other transcripts: non-coding transcript variant (1).
Genome position (GRCh38, 1-based): chr18:14,796,406, T>C. VCF-style: chr18-14796406-T-C. GRCh37 (hg19) VCF-style: chr18-14796405-T-C.
Other names: c.*29T>C (NM_001029862.1); short protein forms F640L.
Identifiers: ClinVar variation 2648608 (VCV002648608.24), dbSNP rs770765402, ClinGen allele CA8904456.